The following is an entry in ClinVar:

ClinVar aggregate classification (germline): Benign. Review status: criteria provided, multiple submitters, no conflicts (2 of 4 stars). 3 submissions from 3 submitters: Benign (2). 1 of the submissions does not count toward it. Last evaluated 2020-04-20.

Conditions:
NCOR2-related disorder. Also called: NCOR2-related condition.

Allele frequency attached by ClinVar (database versions not stated): ESP Exome Variant Server 0.14678; gnomAD 0.14746 and 0.14929; TOPMed 0.15270; 1000 Genomes Project 30x 0.15974; 1000 Genomes Project 0.16094; gnomAD exomes 0.16165 and 0.17087; ExAC 0.17051.
gnomAD v4.1: 258,394 of 1,612,822 alleles (16%); highest among the groups gnomAD compares: Admixed American, 23%; 21,452 homozygotes.

Submissions (3):

GeneDx
Classification: Benign. Last evaluated: 2020-04-20. Review status: criteria provided, single submitter. Criteria: GeneDx Variant Classification Process June 2021. Collection method: clinical testing. Allele origin: germline. Affected: yes.

Breakthrough Genomics
Classification: Benign. Review status: criteria provided, single submitter. Criteria: ACMG Guidelines, 2015. Collection method: not provided. Allele origin: germline. Inheritance: Unknown mechanism. Affected: yes.

PreventionGenetics, part of Exact Sciences
Classification: Benign for NCOR2-related condition. Last evaluated: 2019-10-30. Review status: no assertion criteria provided. Collection method: clinical testing. Allele origin: germline. Not counted in ClinVar's aggregate classification.
Comment: This variant is classified as benign based on ACMG/AMP sequence variant interpretation guidelines (Richards et al. 2015 PMID: 25741868, with internal and published modifications).

NM_006312.6(NCOR2):c.5095G>A (p.Ala1699Thr)

Gene: NCOR2 (nuclear receptor corepressor 2; minus strand). Cytogenetic location: 12q24.31.
Variant type: single nucleotide variant.
Coding change: c.5095G>A on transcript NM_006312.6 (MANE Select); coding-DNA position 5095, G replaced by A.
Protein change: p.Ala1699Thr; replaces alanine 1699 with threonine.
Molecular consequence: missense variant.
Genome position (GRCh38, 1-based): chr12:124,341,916, C>T on the plus strand (G>A on the coding strand, the complement: NCOR2 is on the minus strand). VCF-style: chr12-124341916-C-T. GRCh37 (hg19) VCF-style: chr12-124826462-C-T.
Other names: c.5065G>A, p.Ala1689Thr (NM_001077261.4, NM_001206654.2); short protein forms A1689T, A1699T.
Identifiers: ClinVar variation 1278544 (VCV001278544.4), dbSNP rs2229840, ClinGen allele CA6868078.
Genomic context (GRCh38, chr12:124,341,916, plus strand): 5'-AGGACTCGCGGGGCGAGAGGCCCCTCAGCATATCAGCTCGCTGGGCCATGGCGGTGGCCG[C>T]GTTGTGGTGCATCTGCTGCGAGGTGATGTAGTCATTGATGATGGTCTGCCGGTTCTCCAG-3'
Protein context (NP_006303.4, residues 1689-1709): YITSQQMHHN[Ala1699Thr]ATAMAQRADM